The following is an entry in ClinVar:

NM_001365999.1(SZT2):c.2167T>A (p.Ser723Thr)

Gene: SZT2 (SZT2 subunit of KICSTOR complex; plus strand). Cytogenetic location: 1p34.2.
Variant type: single nucleotide variant.
Coding change: c.2167T>A on transcript NM_001365999.1 (MANE Select); coding-DNA position 2167, T replaced by A.
Protein change: p.Ser723Thr; replaces serine 723 with threonine.
Molecular consequence: missense variant.
Genome position (GRCh38, 1-based): chr1:43,423,228, T>A. VCF-style: chr1-43423228-T-A. GRCh37 (hg19) VCF-style: chr1-43888899-T-A.
Other names: c.2167T>A, p.Ser723Thr (NM_015284.4); short protein forms S723T.
Identifiers: ClinVar variation 1358592 (VCV001358592.8), dbSNP rs2153932660, ClinGen allele CA340011271.

ClinVar aggregate classification (germline): Uncertain significance (1 of 4 stars; one submission).

Submission:

Labcorp Genetics (formerly Invitae), Labcorp
Classification: Uncertain significance. Last evaluated: 2022-03-22. Review status: criteria provided, single submitter. Criteria: Invitae Variant Classification Sherloc (09022015). Collection method: clinical testing. Allele origin: germline.
Comment: This sequence change replaces serine, which is neutral and polar, with threonine, which is neutral and polar, at codon 723 of the SZT2 protein (p.Ser723Thr). This variant is not present in population databases (gnomAD no frequency). This variant has not been reported in the literature in individuals affected with SZT2-related conditions. Algorithms developed to predict the effect of missense changes on protein structure and function are either unavailable or do not agree on the potential impact of this missense change (SIFT: "Tolerated"; PolyPhen-2: "Probably Damaging"; Align-GVGD: "Class C0"). In summary, the available evidence is currently insufficient to determine the role of this variant in disease. Therefore, it has been classified as a Variant of Uncertain Significance.